The following is an entry in ClinVar:

NM_001621.5(AHR):c.452C>A (p.Ser151Tyr)

Gene: AHR (aryl hydrocarbon receptor; plus strand). Cytogenetic location: 7p21.1.
Variant type: single nucleotide variant.
Coding change: c.452C>A on transcript NM_001621.5 (MANE Select); coding-DNA position 452, C replaced by A.
Protein change: p.Ser151Tyr; replaces serine 151 with tyrosine.
Molecular consequence: missense variant.
Genome position (GRCh38, 1-based): chr7:17,329,953, C>A. VCF-style: chr7-17329953-C-A. GRCh37 (hg19) VCF-style: chr7-17369577-C-A.
Other names: short protein forms S151Y.
Identifiers: ClinVar variation 1352788 (VCV001352788.8), dbSNP rs908053629, ClinGen allele CA154111013.
Genomic context (GRCh38, chr7:17,329,953, plus strand): 5'-ATTTAGCCATATTTTTTAATCAGTCCTTTTGTTGTATTCCTTGTATCTTTTTTCTTTAGT[C>A]TGATGTCATACATCAGAGTGTATATGAACTTATCCATACCGAAGACCGAGCTGAATTTCA-3'
Protein context (NP_001612.1, residues 141-161): TIQDYLGFQQ[Ser151Tyr]DVIHQSVYEL

ClinVar aggregate classification (germline): Uncertain significance (1 of 4 stars; one submission).

Submission:

Labcorp Genetics (formerly Invitae), Labcorp
Classification: Uncertain significance. Last evaluated: 2021-02-15. Review status: criteria provided, single submitter. Criteria: Invitae Variant Classification Sherloc (09022015). Collection method: clinical testing. Allele origin: germline.
Comment: This sequence change replaces serine with tyrosine at codon 151 of the AHR protein (p.Ser151Tyr). The serine residue is highly conserved and there is a large physicochemical difference between serine and tyrosine. This variant is not present in population databases (ExAC no frequency). This variant has not been reported in the literature in individuals with AHR-related conditions. Algorithms developed to predict the effect of missense changes on protein structure and function (SIFT, PolyPhen-2, Align-GVGD) all suggest that this variant is likely to be disruptive, but these predictions have not been confirmed by published functional studies and their clinical significance is uncertain. In summary, the available evidence is currently insufficient to determine the role of this variant in disease. Therefore, it has been classified as a Variant of Uncertain Significance.